The following is an entry in ClinVar:

ClinVar aggregate classification (germline): Uncertain significance. Review status: criteria provided, multiple submitters, no conflicts (2 of 4 stars). 2 submissions from 2 submitters: Uncertain significance (2). Last evaluated 2025-01-23.

Conditions:
Hereditary cancer-predisposing syndrome. Also called: Tumor predisposition; Hereditary Cancer Syndrome; Neoplastic Syndromes, Hereditary; Hereditary neoplastic syndrome. Identifiers: Orphanet 140162, MedGen C0027672, MeSH D009386, MONDO:0015356.

Allele frequency attached by ClinVar (database versions not stated): gnomAD exomes below 0.00001; ExAC 0.00001; gnomAD 0.00001; TOPMed 0.00001.

Submissions (2):

Labcorp Genetics (formerly Invitae), Labcorp
Classification: Uncertain significance. Last evaluated: 2025-01-23. Review status: criteria provided, single submitter. Criteria: Invitae Variant Classification Sherloc (09022015). Collection method: clinical testing. Allele origin: germline.
Comment: This sequence change replaces histidine, which is basic and polar, with arginine, which is basic and polar, at codon 30 of the HOXB13 protein (p.His30Arg). This variant is present in population databases (rs751338230, gnomAD 0.0009%). This variant has not been reported in the literature in individuals affected with HOXB13-related conditions. ClinVar contains an entry for this variant (Variation ID: 822880). An algorithm developed to predict the effect of missense changes on protein structure and function (PolyPhen-2) suggests that this variant¬†is likely to be tolerated. In summary, the available evidence is currently insufficient to determine the role of this variant in disease. Therefore, it has been classified as a Variant of Uncertain Significance.

Ambry Genetics
Classification: Uncertain significance for Hereditary cancer-predisposing syndrome. Last evaluated: 2024-01-08. Review status: criteria provided, single submitter. Criteria: Ambry Variant Classification Scheme 2023. Collection method: clinical testing. Allele origin: germline.
Comment: The p.H30R variant (also known as c.89A>G), located in coding exon 1 of the HOXB13 gene, results from an A to G substitution at nucleotide position 89. The histidine at codon 30 is replaced by arginine, an amino acid with highly similar properties. This amino acid position is not well conserved in available vertebrate species. In addition, this alteration is predicted to be tolerated by in silico analysis. Since supporting evidence is limited at this time, the clinical significance of this alteration remains unclear.

NM_006361.6(HOXB13):c.89A>G (p.His30Arg)

Gene: HOXB13 (homeobox B13; minus strand). Cytogenetic location: 17q21.32.
Variant type: single nucleotide variant.
Coding change: c.89A>G on transcript NM_006361.6 (MANE Select); coding-DNA position 89, A replaced by G.
Protein change: p.His30Arg; replaces histidine 30 with arginine.
Molecular consequence: missense variant.
Genome position (GRCh38, 1-based): chr17:48,728,505, T>C on the plus strand (A>G on the coding strand, the complement: HOXB13 is on the minus strand). VCF-style: chr17-48728505-T-C. GRCh37 (hg19) VCF-style: chr17-46805867-T-C.
Other names: short protein forms H30R.
Identifiers: ClinVar variation 822880 (VCV000822880.13), dbSNP rs751338230, ClinGen allele CA8634067.